The following is an entry in ClinVar:

NM_001110556.2(FLNA):c.5426G>A (p.Arg1809Gln)

Gene: FLNA (filamin A; minus strand). Cytogenetic location: Xq28.
Variant type: single nucleotide variant.
Coding change: c.5426G>A on transcript NM_001110556.2 (MANE Select); coding-DNA position 5426, G replaced by A.
Protein change: p.Arg1809Gln; replaces arginine 1809 with glutamine.
Molecular consequence: missense variant.
Genome position (GRCh38, 1-based): chrX:154,354,282, C>T on the plus strand (G>A on the coding strand, the complement: FLNA is on the minus strand). VCF-style: chrX-154354282-C-T. GRCh37 (hg19) VCF-style: chrX-153582650-C-T.
Other names: c.5402G>A, p.Arg1801Gln (NM_001456.4); short protein forms R1801Q, R1809Q.
Identifiers: ClinVar variation 452980 (VCV000452980.13), dbSNP rs782134110, ClinGen allele CA10560313.
Genomic context (GRCh38, chrX:154,354,282, plus strand): 5'-GTCACGGTGCCGTCTTTGTTGTCAGTGATGGTGGGCTGCGCCACCTTGCCTGAGGGCATC[C>T]GAACCTCCCCTGTGGGGCAGTGGGGCTGAGGTCAGGGCAGCTCATTGGCACAGTCTGGCC-3'
Protein context (NP_001104026.1, residues 1799-1819): IKKGEITGEV[Arg1809Gln]MPSGKVAQPT

ClinVar aggregate classification (germline): Conflicting classifications of pathogenicity. Review status: criteria provided, conflicting classifications (1 of 4 stars). 3 submissions from 3 submitters: Uncertain significance (1); Benign (1); Likely benign (1). Last evaluated 2025-10-09.

Conditions:
Heterotopia, periventricular, X-linked dominant (PVNH1). Also called: PERIVENTRICULAR NODULAR HETEROTOPIA 1; X-linked periventricular heterotopia; PERIVENTRICULAR NODULAR HETEROTOPIA 4; HETEROTOPIA, PERIVENTRICULAR, 1. Identifiers: Orphanet 2149, Orphanet 82004, MedGen C1848213, MONDO:0010233, OMIM 300049.
Oto-palato-digital syndrome, type II (OPD2). Also called: FACIOPALATOOSSEOUS SYNDROME; OPD II SYNDROME; Otopalatodigital Syndrome Type 2 (FLNA-OPD2); Otopalatodigital Syndrome, Type II. Identifiers: Orphanet 669, Orphanet 90652, MedGen C1844696, MONDO:0010571, OMIM 304120.
Frontometaphyseal dysplasia (FMD1). Identifiers: Orphanet 1826, MedGen C0265293, MONDO:0015942.
Melnick-Needles syndrome (MNS). Also called: MELNICK-NEEDLES OSTEODYSPLASTY; OSTEODYSPLASTY OF MELNICK AND NEEDLES; Melnick-Needles Syndrome (FLNA-MNS). Identifiers: Orphanet 2484, MedGen C0025237, MONDO:0010650, OMIM 309350.

Allele frequency attached by ClinVar (database versions not stated): gnomAD exomes 0.00001 and 0.00003; TOPMed 0.00002; ExAC 0.00003.
gnomAD v4.1: 9 of 1,211,838 alleles (0.00074%); highest among the groups gnomAD compares: Admixed American, 0.0022%; no homozygotes.

Submissions (3):

Women's Health and Genetics/Laboratory Corporation of America, LabCorp
Classification: Uncertain significance. Last evaluated: 2025-10-09. Review status: criteria provided, single submitter. Criteria: LabCorp Variant Classification Summary - May 2015. Collection method: clinical testing. Allele origin: germline.
Comment: Variant summary: FLNA c.5426G>A (p.Arg1809Gln) results in a conservative amino acid change in the encoded protein sequence. Algorithms developed to predict the effect of missense changes on protein structure and function are either unavailable or do not agree on the potential impact of this missense change. The variant allele was found at a frequency of 2.8e-05 in 180762 control chromosomes. The available data on variant occurrences in the general population are insufficient to allow any conclusion about variant significance. To our knowledge, no occurrence of c.5426G>A in individuals affected with FLNA-related conditions and no experimental evidence demonstrating its impact on protein function have been reported. ClinVar contains an entry for this variant (Variation ID: 452980). Based on the evidence outlined above, the variant was classified as uncertain significance.

Labcorp Genetics (formerly Invitae), Labcorp
Classification: Benign for Oto-palato-digital syndrome, type II; Heterotopia, periventricular, X-linked dominant; Frontometaphyseal dysplasia; Melnick-Needles syndrome. Last evaluated: 2024-12-17. Review status: criteria provided, single submitter. Criteria: Invitae Variant Classification Sherloc (09022015). Collection method: clinical testing. Allele origin: germline.

GeneDx
Classification: Likely benign. Last evaluated: 2019-01-30. Review status: criteria provided, single submitter. Criteria: GeneDx Variant Classification Process June 2021. Collection method: clinical testing. Allele origin: germline. Affected: yes.